The following is an entry in ClinVar:

NM_001083116.3(PRF1):c.1501C>T (p.Pro501Ser)

Gene: PRF1 (perforin 1; minus strand). Cytogenetic location: 10q22.1.
Variant type: single nucleotide variant.
Coding change: c.1501C>T on transcript NM_001083116.3 (MANE Select); coding-DNA position 1501, C replaced by T.
Protein change: p.Pro501Ser; replaces proline 501 with serine.
Molecular consequence: missense variant.
Genome position (GRCh38, 1-based): chr10:70,598,220, G>A on the plus strand (C>T on the coding strand, the complement: PRF1 is on the minus strand). VCF-style: chr10-70598220-G-A. GRCh37 (hg19) VCF-style: chr10-72357976-G-A.
Other names: c.1501C>T, p.Pro501Ser (NM_005041.6); short protein forms P501S.
Identifiers: ClinVar variation 948356 (VCV000948356.7), dbSNP rs200589152, ClinGen allele CA5538730.

ClinVar aggregate classification (germline): Uncertain significance (1 of 4 stars; one submission).

Conditions:
Familial hemophagocytic lymphohistiocytosis 2 (FHL2). Also called: PRF1-Related Familial Hemophagocytic Lymphohistiocytosis (PRF1-fHLH). Identifiers: Orphanet 540, MedGen C1863727, MONDO:0011337, OMIM 603553.

Allele frequency attached by ClinVar (database versions not stated): ExAC 0.00001; gnomAD 0.00001; gnomAD exomes 0.00001; TOPMed 0.00001; ESP Exome Variant Server 0.00008.
gnomAD v4.1: 18 of 1,614,082 alleles (0.0011%); highest among the groups gnomAD compares: Middle Eastern, 0.049%; no homozygotes.

Submission:

Labcorp Genetics (formerly Invitae), Labcorp
Classification: Uncertain significance for Familial hemophagocytic lymphohistiocytosis 2. Last evaluated: 2024-12-12. Review status: criteria provided, single submitter. Criteria: Invitae Variant Classification Sherloc (09022015). Collection method: clinical testing. Allele origin: germline.
Comment: This sequence change replaces proline, which is neutral and non-polar, with serine, which is neutral and polar, at codon 501 of the PRF1 protein (p.Pro501Ser). This variant is present in population databases (rs200589152, gnomAD 0.002%). This variant has not been reported in the literature in individuals affected with PRF1-related conditions. ClinVar contains an entry for this variant (Variation ID: 948356). Invitae Evidence Modeling of protein sequence and biophysical properties (such as structural, functional, and spatial information, amino acid conservation, physicochemical variation, residue mobility, and thermodynamic stability) indicates that this missense variant is expected to disrupt PRF1 protein function with a positive predictive value of 95%. In summary, the available evidence is currently insufficient to determine the role of this variant in disease. Therefore, it has been classified as a Variant of Uncertain Significance.